The following is an entry in ClinVar:

NM_001160148.2(DDHD1):c.354C>T (p.His118=)

Gene: DDHD1 (DDHD domain containing 1; minus strand). Cytogenetic location: 14q22.1.
Variant type: single nucleotide variant.
Coding change: c.354C>T on transcript NM_001160148.2 (MANE Select); coding-DNA position 354, C replaced by T.
Protein change: p.His118=; no amino-acid change (histidine 118 retained).
Molecular consequence: synonymous variant.
Genome position (GRCh38, 1-based): chr14:53,152,745, G>A on the plus strand (C>T on the coding strand, the complement: DDHD1 is on the minus strand). VCF-style: chr14-53152745-G-A. GRCh37 (hg19) VCF-style: chr14-53619463-G-A.
Other names: p.His118=; c.354C>T, p.His118= (NM_001160147.2, NM_030637.3).
Identifiers: ClinVar variation 379962 (VCV000379962.20), dbSNP rs2358188, ClinGen allele CA7191515.

ClinVar aggregate classification (germline): Benign. Review status: criteria provided, multiple submitters, no conflicts (2 of 4 stars). 7 submissions from 7 submitters: Benign (5). 2 of the submissions do not count toward it. Last evaluated 2026-02-04.

Conditions:
Hereditary spastic paraplegia 28. Also called: Spastic paraplegia 28, autosomal recessive. Identifiers: Orphanet 101008, MedGen C1836295, MONDO:0012256, OMIM 609340.

Allele frequency attached by ClinVar (database versions not stated): TOPMed 0.71531; gnomAD 0.72343 and 0.73414; 1000 Genomes Project 30x 0.74188; 1000 Genomes Project 0.75220; gnomAD exomes 0.83417 and 0.84354; ExAC 0.84551.
gnomAD v4.1: 1,317,850 of 1,599,190 alleles (82%); highest among the groups gnomAD compares: East Asian, 96%; 549,944 homozygotes.

Submissions (7):

Labcorp Genetics (formerly Invitae), Labcorp
Classification: Benign for Hereditary spastic paraplegia 28. Last evaluated: 2026-02-04. Review status: criteria provided, single submitter. Criteria: Invitae Variant Classification Sherloc (09022015). Collection method: clinical testing. Allele origin: germline.

Genome-Nilou Lab
Classification: Benign for Hereditary spastic paraplegia 28. Last evaluated: 2021-07-30. Review status: criteria provided, single submitter. Criteria: ACMG Guidelines, 2015. Collection method: clinical testing. Allele origin: germline. Affected: no.

Mayo Clinic Laboratories, Mayo Clinic
Classification: Benign. Last evaluated: 2017-07-18. Review status: criteria provided, single submitter. Criteria: ACMG Guidelines, 2015. Collection method: clinical testing. Allele origin: germline. Observed: 1,524 variant alleles.

GeneDx
Classification: Benign. Last evaluated: 2015-12-02. Review status: criteria provided, single submitter. Criteria: GeneDx Variant Classification (06012015). Collection method: clinical testing. Allele origin: germline. Affected: yes.
Comment: This variant is considered likely benign or benign based on one or more of the following criteria: it is a conservative change, it occurs at a poorly conserved position in the protein, it is predicted to be benign by multiple in silico algorithms, and/or has population frequency not consistent with disease.

Breakthrough Genomics
Classification: Benign. Review status: criteria provided, single submitter. Criteria: ACMG Guidelines, 2015. Collection method: not provided. Allele origin: germline. Inheritance: Autosomal recessive inheritance. Affected: yes.

Diagnostic Laboratory, Department of Genetics, University Medical Center Groningen
Classification: Benign. Review status: no assertion criteria provided. Collection method: clinical testing. Allele origin: germline. Affected: yes. Study: VKGL Data-share Consensus. Not counted in ClinVar's aggregate classification.

Joint Genome Diagnostic Labs from Nijmegen and Maastricht, Radboudumc and MUMC+
Classification: Benign. Review status: no assertion criteria provided. Collection method: clinical testing. Allele origin: germline. Affected: yes. Study: VKGL Data-share Consensus. Not counted in ClinVar's aggregate classification.